The following is an entry in ClinVar:

ClinVar aggregate classification (germline): Uncertain significance. Review status: criteria provided, single submitter (1 of 4 stars). 2 submissions from 2 submitters: Uncertain significance (1). 1 of the submissions does not count toward it. Last evaluated 2021-09-07.

Conditions:
Fanconi anemia (FA). Also called: Fanconi's anemia. Identifiers: Orphanet 84, MedGen C0015625, MeSH D005199, MONDO:0019391.
Fanconi anemia complementation group C (FANCC). Also called: FANCC-Related Fanconi Anemia; FANCONI PANCYTOPENIA, TYPE 3; FACC; Fanconi anemia, group C. Identifiers: Orphanet 84, MedGen C3468041, MONDO:0009213, OMIM 227645.

Submissions (2):

Labcorp Genetics (formerly Invitae), Labcorp
Classification: Uncertain significance for Fanconi anemia. Last evaluated: 2021-09-07. Review status: criteria provided, single submitter. Criteria: Invitae Variant Classification Sherloc (09022015). Collection method: clinical testing. Allele origin: germline.
Comment: In summary, this is a novel intronic change with uncertain impact on splicing. It has been classified as a Variant of Uncertain Significance. Nucleotide substitutions within the consensus splice site are relatively common causes of aberrant splicing (PMID: 17576681, 9536098). Algorithms developed to predict the effect of nucleotide changes on RNA splicing suggest that this variant may alter RNA splicing, but this prediction has not been confirmed by published transcriptional studies. This variant is not present in population databases (ExAC no frequency) and has not been reported in the literature in individuals with a FANCC-related disease. This variant affects a highly conserved nucleotide within the consensus splice site of intron 13. The majority of introns (75%-85%) have a G at this position (PMID: 9536098)..

Counsyl
Classification: Uncertain significance for Fanconi anemia complementation group C. Last evaluated: 2018-03-26. Review status: no assertion criteria provided. Collection method: clinical testing. Allele origin: unknown. Not counted in ClinVar's aggregate classification.

Literature cited by the submitters: PubMed 17576681 (cited by Labcorp Genetics (formerly Invitae), Labcorp); PubMed 9536098 (cited by Labcorp Genetics (formerly Invitae), Labcorp).

NM_000136.3(FANCC):c.1329+5del

Genes: AOPEP (aminopeptidase O (putative); plus strand), FANCC (FA complementation group C; minus strand). Cytogenetic location: 9q22.32.
Variant type: Deletion.
Coding change: c.1329+5del on transcript NM_000136.3 (MANE Select); 5 bases into the intron after coding-DNA position 1329, one base deleted (G; older notation c.1329+5delG).
Molecular consequence: intron variant.
Genome position (GRCh38, 1-based): chr9:95,111,458, C deleted on the plus strand (G on the coding strand, the reverse complement: FANCC is on the minus strand); the first of 3 consecutive C bases (chr9:95,111,458-95,111,460); deleting any one gives the same sequence. VCF-style (leftmost placement, unchanged base first): chr9-95111457-AC-A. GRCh37 (hg19) VCF-style: chr9-97873739-AC-A.
Other names: c.1329+5delG (NM_000136.2); c.1329+5del (NM_001243743.2, NM_001243744.2).
Identifiers: ClinVar variation 237067 (VCV000237067.9), dbSNP rs878853670, ClinGen allele CA10582663.